The following is an entry in ClinVar:

NM_152419.3(HGSNAT):c.1411G>C (p.Glu471Gln)

Gene: HGSNAT (heparan-alpha-glucosaminide N-acetyltransferase; plus strand). Cytogenetic location: 8p11.21.
Variant type: single nucleotide variant.
Coding change: c.1411G>C on transcript NM_152419.3 (MANE Select); coding-DNA position 1411, G replaced by C.
Protein change: p.Glu471Gln; replaces glutamic acid 471 with glutamine.
Molecular consequence: missense variant.
Genome position (GRCh38, 1-based): chr8:43,193,790, G>C. VCF-style: chr8-43193790-G-C. GRCh37 (hg19) VCF-style: chr8-43048933-G-C.
Other names: c.1411G>C, p.Glu471Gln (NM_001363227.2); c.1219G>C, p.Glu407Gln (NM_001363228.2); c.547G>C, p.Glu183Gln (NM_001363229.2); short protein forms E183Q, E471Q, E407Q.
Identifiers: ClinVar variation 1037171 (VCV001037171.8), dbSNP rs753355844, ClinGen allele CA371119881.

ClinVar aggregate classification (germline): Conflicting classifications of pathogenicity. Review status: criteria provided, conflicting classifications (1 of 4 stars). 3 submissions from 3 submitters: Likely pathogenic (1); Uncertain significance (1). 1 of the submissions does not count toward it. Last evaluated 2025-04-17.

Conditions:
Mucopolysaccharidosis, MPS-III-C (MPS3C). Also called: MPS IIIC (Sanfilippo Syndrome Type C); MUCOPOLYSACCHARIDOSIS, TYPE IIIC; Mucopolysaccharidosis type IIIC (Sanfilippo C); mucopolysaccharidosis type 3C; SANFILIPPO SYNDROME C; MPS III C. Identifiers: Orphanet 581, Orphanet 79271, MedGen C0086649, MONDO:0009657, OMIM 252930.
Retinitis pigmentosa 73 (RP73). Identifiers: Orphanet 791, MedGen C4225287, MONDO:0014687, OMIM 616544.

Submissions (3):

Women's Health and Genetics/Laboratory Corporation of America, LabCorp
Classification: Uncertain significance. Last evaluated: 2025-04-17. Review status: criteria provided, single submitter. Criteria: LabCorp Variant Classification Summary - May 2015. Collection method: clinical testing. Allele origin: germline.
Comment: Variant summary: HGSNAT c.1411G>C (p.Glu471Gln) results in a conservative amino acid change in the encoded protein sequence. Three of four in-silico tools predict a damaging effect of the variant on protein function. The variant was absent in 249268 control chromosomes. The available data on variant occurrences in the general population are insufficient to allow any conclusion about variant significance. To our knowledge, no occurrence of c.1411G>C in individuals affected with Mucopolysaccharidosis, MPS-III-C and no experimental evidence demonstrating its impact on protein function have been reported. ClinVar contains an entry for this variant (Variation ID: 1037171). Based on the evidence outlined above, the variant was classified as uncertain significance.

Labcorp Genetics (formerly Invitae), Labcorp
Classification: Likely pathogenic for Retinitis pigmentosa 73; Mucopolysaccharidosis, MPS-III-C. Last evaluated: 2025-03-17. Review status: criteria provided, single submitter. Criteria: Invitae Variant Classification Sherloc (09022015). Collection method: clinical testing. Allele origin: germline.
Comment: This sequence change replaces glutamic acid, which is acidic and polar, with glutamine, which is neutral and polar, at codon 471 of the HGSNAT protein (p.Glu471Gln). This variant is not present in population databases (gnomAD no frequency). This variant has not been reported in the literature in individuals affected with HGSNAT-related conditions. ClinVar contains an entry for this variant (Variation ID: 1037171). Invitae Evidence Modeling of protein sequence and biophysical properties (such as structural, functional, and spatial information, amino acid conservation, physicochemical variation, residue mobility, and thermodynamic stability) has been performed for this missense variant. However, the output from this modeling did not meet the statistical confidence thresholds required to predict the impact of this variant on HGSNAT protein function. This variant disrupts the p.Glu471 amino acid residue in HGSNAT. Other variant(s) that disrupt this residue have been determined to be pathogenic (PMID: 17033958, 18024218, 19479962, 20583299). This suggests that this residue is clinically significant, and that variants that disrupt this residue are likely to be disease-causing. In summary, the currently available evidence indicates that the variant is pathogenic, but additional data are needed to prove that conclusively. Therefore, this variant has been classified as Likely Pathogenic.

Natera, Inc.
Classification: Uncertain significance for Mucopolysaccharidosis type IIIC. Last evaluated: 2020-07-25. Review status: no assertion criteria provided. Collection method: clinical testing. Allele origin: germline. Not counted in ClinVar's aggregate classification.

Literature cited by the submitters: PubMed 17033958 (cited by Labcorp Genetics (formerly Invitae), Labcorp); PubMed 18024218 (cited by Labcorp Genetics (formerly Invitae), Labcorp); PubMed 19479962 (cited by Labcorp Genetics (formerly Invitae), Labcorp); PubMed 20583299 (cited by Labcorp Genetics (formerly Invitae), Labcorp).